The following is an entry in ClinVar:

ClinVar aggregate classification (germline): Uncertain significance (1 of 4 stars; one submission).

gnomAD v4.1: 1 of 1,612,572 alleles (0.000062%); highest among the groups gnomAD compares: Non-Finnish European, 0.000085%; no homozygotes.

Submission:

GeneDx
Classification: Uncertain significance. Last evaluated: 2020-01-06. Review status: criteria provided, single submitter. Criteria: GeneDx Variant Classification Process June 2021. Collection method: clinical testing. Allele origin: germline. Affected: yes.
Comment: Not observed in large population cohorts (Lek et al., 2016); In silico analysis, which includes protein predictors and evolutionary conservation, supports a deleterious effect; Has not been previously published as pathogenic or benign to our knowledge

NM_001122659.3(EDNRB):c.998C>A (p.Ala333Asp)

Genes: EDNRB (endothelin receptor type B; minus strand), EDNRB-AS1 (EDNRB antisense RNA 1; plus strand). Cytogenetic location: 13q22.3.
Variant type: single nucleotide variant.
Coding change: c.998C>A on transcript NM_001122659.3 (MANE Select); coding-DNA position 998, C replaced by A.
Protein change: p.Ala333Asp; replaces alanine 333 with aspartic acid.
Molecular consequence: missense variant.
Genome position (GRCh38, 1-based): chr13:77,900,608, G>T on the plus strand (C>A on the coding strand, the complement: EDNRB is on the minus strand). VCF-style: chr13-77900608-G-T. GRCh37 (hg19) VCF-style: chr13-78474743-G-T.
Other names: c.998C>A, p.Ala333Asp (NM_000115.5, NM_003991.4); c.1268C>A, p.Ala423Asp (NM_001201397.2); short protein forms A333D, A423D.
Identifiers: ClinVar variation 1311762 (VCV001311762.2), dbSNP rs1279092107, ClinGen allele CA388451738.